The following is an entry in ClinVar:

ClinVar aggregate classification (germline): Uncertain significance (1 of 4 stars; one submission).

Submission:

Ambry Genetics
Classification: Uncertain significance. Last evaluated: 2024-12-15. Review status: criteria provided, single submitter. Criteria: Ambry Variant Classification Scheme 2023. Collection method: clinical testing. Allele origin: germline.
Comment: The p.N111T variant (also known as c.332A>C), located in coding exon 2 of the ATRIP gene, results from an A to C substitution at nucleotide position 332. The asparagine at codon 111 is replaced by threonine, an amino acid with similar properties. This amino acid position is conserved. In addition, this alteration is predicted to be tolerated by in silico analysis. Based on the available evidence, the clinical significance of this variant remains unclear.

NM_130384.3(ATRIP):c.332A>C (p.Asn111Thr)

Genes: ATRIP (ATR interacting protein; plus strand), ATRIP-TREX1 (ATRIP-TREX1 readthrough; plus strand). Cytogenetic location: 3p21.31.
Variant type: single nucleotide variant.
Coding change: c.332A>C on transcript NM_130384.3 (MANE Select); coding-DNA position 332, A replaced by C.
Protein change: p.Asn111Thr; replaces asparagine 111 with threonine.
Molecular consequence: missense variant. On other transcripts: non-coding transcript variant (1), 5 prime UTR variant (1).
Genome position (GRCh38, 1-based): chr3:48,450,121, A>C. VCF-style: chr3-48450121-A-C. GRCh37 (hg19) VCF-style: chr3-48491527-A-C.
Other names: c.-133A>C (NM_001271022.2); c.53A>C, p.Asn18Thr (NM_001271023.2); c.332A>C, p.Asn111Thr (NM_032166.4); short protein forms N18T, N111T.
Identifiers: ClinVar variation 3809036 (VCV003809036.1).